The following is an entry in ClinVar:

NM_018026.4(PACS1):c.2140G>A (p.Val714Ile)

Gene: PACS1 (phosphofurin acidic cluster sorting protein 1; plus strand). Cytogenetic location: 11q13.2.
Variant type: single nucleotide variant.
Coding change: c.2140G>A on transcript NM_018026.4 (MANE Select); coding-DNA position 2140, G replaced by A.
Protein change: p.Val714Ile; replaces valine 714 with isoleucine.
Molecular consequence: missense variant.
Genome position (GRCh38, 1-based): chr11:66,235,336, G>A. VCF-style: chr11-66235336-G-A. GRCh37 (hg19) VCF-style: chr11-66002807-G-A.
Other names: c.2140G>A (NM_018026.3, NM_018026.2); short protein forms V714I.
Identifiers: ClinVar variation 2199456 (VCV002199456.6), dbSNP rs140998295, ClinGen allele CA6116791.

ClinVar aggregate classification (germline): Benign/Likely benign. Review status: criteria provided, multiple submitters, no conflicts (2 of 4 stars). 3 submissions from 3 submitters: Benign (1); Likely benign (2). Last evaluated 2025-12-01.

Conditions:
Inborn genetic diseases. Identifiers: MedGen C0950123, MeSH D030342.
PACS1-related disorder. Also called: PACS1-related condition.
Schuurs-Hoeijmakers syndrome. Also called: PACS1-Related Neurodevelopmental Disorder. Identifiers: Orphanet 329224, MedGen C3554343, MONDO:0014006, OMIM 615009.

Allele frequency attached by ClinVar (database versions not stated): ExAC 0.00004; TOPMed 0.00005; ESP Exome Variant Server 0.00008; gnomAD 0.00009; gnomAD exomes 0.00013.
gnomAD v4.1: 207 of 1,613,920 alleles (0.013%); highest among the groups gnomAD compares: Non-Finnish European, 0.016%; no homozygotes.

Submissions (3):

Labcorp Genetics (formerly Invitae), Labcorp
Classification: Benign for Schuurs-Hoeijmakers syndrome. Last evaluated: 2025-12-01. Review status: criteria provided, single submitter. Criteria: Invitae Variant Classification Sherloc (09022015). Collection method: clinical testing. Allele origin: germline.

PreventionGenetics, part of Exact Sciences
Classification: Likely benign for PACS1-related condition. Last evaluated: 2025-11-05. Review status: criteria provided, single submitter. Criteria: ACMG Guidelines, 2015. Collection method: clinical testing. Allele origin: germline.
Comment: This variant is classified as likely benign based on ACMG/AMP sequence variant interpretation guidelines (Richards et al. 2015 PMID: 25741868, with internal and published modifications).

Ambry Genetics
Classification: Likely benign for Inborn genetic diseases. Last evaluated: 2024-12-13. Review status: criteria provided, single submitter. Criteria: Ambry Variant Classification Scheme 2023. Collection method: clinical testing. Allele origin: germline.